The following is an entry in ClinVar:

NM_006432.5(NPC2):c.259A>T (p.Ile87Phe)

Gene: NPC2 (NPC intracellular cholesterol transporter 2; minus strand). Cytogenetic location: 14q24.3.
Variant type: single nucleotide variant.
Coding change: c.259A>T on transcript NM_006432.5 (MANE Select); coding-DNA position 259, A replaced by T.
Protein change: p.Ile87Phe; replaces isoleucine 87 with phenylalanine.
Molecular consequence: missense variant.
Genome position (GRCh38, 1-based): chr14:74,484,519, T>A on the plus strand (A>T on the coding strand, the complement: NPC2 is on the minus strand). VCF-style: chr14-74484519-T-A. GRCh37 (hg19) VCF-style: chr14-74951222-T-A.
Other names: c.259A>T, p.Ile87Phe (NM_001363688.1, NM_001375440.1); short protein forms I87F.
Identifiers: ClinVar variation 1971680 (VCV001971680.2), dbSNP rs779138735, ClinGen allele CA390532469.

ClinVar aggregate classification (germline): Uncertain significance (1 of 4 stars; one submission).

Conditions:
Niemann-Pick disease, type C2 (NPC2). Identifiers: Orphanet 646, MedGen C1843366, MONDO:0011873, OMIM 607625.

Submission:

Labcorp Genetics (formerly Invitae), Labcorp
Classification: Uncertain significance for Niemann-Pick disease, type C2. Last evaluated: 2022-08-23. Review status: criteria provided, single submitter. Criteria: Invitae Variant Classification Sherloc (09022015). Collection method: clinical testing. Allele origin: germline.
Comment: This sequence change replaces isoleucine, which is neutral and non-polar, with phenylalanine, which is neutral and non-polar, at codon 87 of the NPC2 protein (p.Ile87Phe). This variant is not present in population databases (gnomAD no frequency). This variant has not been reported in the literature in individuals affected with NPC2-related conditions. Algorithms developed to predict the effect of missense changes on protein structure and function are either unavailable or do not agree on the potential impact of this missense change (SIFT: "Deleterious"; PolyPhen-2: "Possibly Damaging"; Align-GVGD: "Class C0"). In summary, the available evidence is currently insufficient to determine the role of this variant in disease. Therefore, it has been classified as a Variant of Uncertain Significance.